The following is an entry in ClinVar:

ClinVar aggregate classification (germline): Uncertain significance (1 of 4 stars; one submission).

Submission:

GeneDx
Classification: Uncertain significance. Last evaluated: 2024-07-25. Review status: criteria provided, single submitter. Criteria: GeneDx Variant Classification Process June 2021. Collection method: clinical testing. Allele origin: germline. Affected: yes.
Comment: Not observed at significant frequency in large population cohorts (gnomAD); In silico analysis supports that this missense variant has a deleterious effect on protein structure/function; Has not been previously published as pathogenic or benign to our knowledge

NM_032590.5(KDM2B):c.1679C>A (p.Pro560His)

Gene: KDM2B (lysine demethylase 2B; minus strand). Cytogenetic location: 12q24.31.
Variant type: single nucleotide variant.
Coding change: c.1679C>A on transcript NM_032590.5 (MANE Select); coding-DNA position 1679, C replaced by A.
Protein change: p.Pro560His; replaces proline 560 with histidine.
Molecular consequence: missense variant.
Genome position (GRCh38, 1-based): chr12:121,494,634, G>T on the plus strand (C>A on the coding strand, the complement: KDM2B is on the minus strand). VCF-style: chr12-121494634-G-T. GRCh37 (hg19) VCF-style: chr12-121932437-G-T.
Other names: c.1586C>A, p.Pro529His (NM_001005366.2); short protein forms P529H, P560H.
Identifiers: ClinVar variation 3600568 (VCV003600568.1).